The following is an entry in ClinVar:

NC_000011.9:g.(?_57365055)_(57374040_?)del

Gene: SERPING1 (serpin family G member 1; plus strand). Cytogenetic location: 11q12.1.
Variant type: Deletion.
Identifiers: ClinVar variation 2422286 (VCV002422286.4).

ClinVar aggregate classification (germline): Pathogenic (1 of 4 stars; one submission).

Submission:

Labcorp Genetics (formerly Invitae), Labcorp
Classification: Pathogenic. Last evaluated: 2021-12-20. Review status: criteria provided, single submitter. Criteria: Invitae Variant Classification Sherloc (09022015). Collection method: clinical testing. Allele origin: germline.
Comment: For these reasons, this variant has been classified as Pathogenic. The SERPING1 gene is also known as C1-INH. A similar copy number variant has been observed in individual(s) with hereditary angioedema type 1 (PMID: 1656734). This variant is a gross deletion of the genomic region encompassing exon(s) 1-6 of the SERPING1 gene, which includes the initiator codon. This deletion extends beyond the assayed region for this gene and therefore may encompass additional genes. It is expected to result in an absent or disrupted protein product. Loss-of-function variants in SERPING1 are known to be pathogenic (PMID: 11112899, 24456027).

Literature cited by the submitters: PubMed 1656734; PubMed 11112899; PubMed 24456027.